The following is an entry in ClinVar:

ClinVar aggregate classification (germline): Uncertain significance (1 of 4 stars; one submission).

Conditions:
Long QT syndrome (LQTS). Identifiers: MedGen C0023976, MeSH D008133, MONDO:0002442. Disease mechanism: loss of function. Inheritance: Various modes of inheritance.

Submission:

Labcorp Genetics (formerly Invitae), Labcorp
Classification: Uncertain significance for Long QT syndrome. Last evaluated: 2025-08-29. Review status: criteria provided, single submitter. Criteria: Invitae Variant Classification Sherloc (09022015). Collection method: clinical testing. Allele origin: germline.
Comment: This sequence change replaces alanine, which is neutral and non-polar, with aspartic acid, which is acidic and polar, at codon 352 of the KCNQ1 protein (p.Ala352Asp). This variant is not present in population databases (gnomAD no frequency). This missense change has been observed in individual(s) with long QT syndrome (internal data). ClinVar contains an entry for this variant (Variation ID: 2743530). Invitae Evidence Modeling of protein sequence and biophysical properties (such as structural, functional, and spatial information, amino acid conservation, physicochemical variation, residue mobility, and thermodynamic stability) indicates that this missense variant is expected to disrupt KCNQ1 protein function with a positive predictive value of 95%. In summary, the available evidence is currently insufficient to determine the role of this variant in disease. Therefore, it has been classified as a Variant of Uncertain Significance.

NM_000218.3(KCNQ1):c.1055C>A (p.Ala352Asp)

Gene: KCNQ1 (potassium voltage-gated channel subfamily Q member 1; plus strand). Cytogenetic location: 11p15.5.
Variant type: single nucleotide variant.
Coding change: c.1055C>A on transcript NM_000218.3 (MANE Select); coding-DNA position 1055, C replaced by A.
Protein change: p.Ala352Asp; replaces alanine 352 with aspartic acid.
Molecular consequence: missense variant. On other transcripts: intron variant (2).
Genome position (GRCh38, 1-based): chr11:2,585,234, C>A. VCF-style: chr11-2585234-C-A. GRCh37 (hg19) VCF-style: chr11-2606464-C-A.
Other names: c.785C>A, p.Ala262Asp (NM_001406837.1); c.674C>A, p.Ala225Asp (NM_181798.2); c.1032+1689C>A (NM_001406836.1); c.588+1689C>A (NM_001406838.1); short protein forms A225D, A262D, A352D.
Identifiers: ClinVar variation 2743530 (VCV002743530.3), dbSNP rs2493700742, ClinGen allele CA379133686.